The following is an entry in ClinVar:

ClinVar aggregate classification (germline): Uncertain significance (1 of 4 stars; one submission).

Conditions:
Amyotrophic lateral sclerosis type 1 (ALS1). Also called: AMYOTROPHIC LATERAL SCLEROSIS 1, FAMILIAL. Identifiers: Orphanet 803, MedGen C1862939, MONDO:0007103, OMIM 105400.
Perry syndrome. Also called: PARKINSONISM WITH ALVEOLAR HYPOVENTILATION AND MENTAL DEPRESSION. Identifiers: Orphanet 178509, MedGen C1868594, MONDO:0008201, OMIM 168605.
Neuronopathy, distal hereditary motor, type 7B. Also called: Distal Hereditary Motor Neuronopathy Type 7B (dHMN7B); NEURONOPATHY, DISTAL HEREDITARY MOTOR, AUTOSOMAL DOMINANT 14; NEURONOPATHY, DISTAL HEREDITARY MOTOR, HARDING TYPE VIIB; NEUROPATHY, DISTAL HEREDITARY MOTOR, HARDING TYPE VIIB; NEUROPATHY, DISTAL HEREDITARY MOTOR, WITH VOCAL CORD PARALYSIS, HARDING TYPE VIIB; HMN VIIB. Identifiers: Orphanet 139589, MedGen C1843315, MONDO:0011879, OMIM 607641.

Submission:

Labcorp Genetics (formerly Invitae), Labcorp
Classification: Uncertain significance for Amyotrophic lateral sclerosis type 1; Distal hereditary motor neuronopathy type 7B; Perry syndrome. Last evaluated: 2019-12-26. Review status: criteria provided, single submitter. Criteria: Invitae Variant Classification Sherloc (09022015). Collection method: clinical testing. Allele origin: germline.
Comment: This sequence change creates a premature translational stop signal (p.Arg932Serfs*8) in the DCTN1 gene. It is expected to result in an absent or disrupted protein product. This variant is not present in population databases (ExAC no frequency). This variant has not been reported in the literature in individuals with DCTN1-related conditions. The current clinical and genetic evidence is not sufficient to establish whether loss-of-function variants in DCTN1 cause disease. In summary, the available evidence is currently insufficient to determine the role of this variant in disease. Therefore, it has been classified as a Variant of Uncertain Significance.

NM_004082.5(DCTN1):c.2793dup (p.Arg932fs)

Gene: DCTN1 (dynactin subunit 1; minus strand). Cytogenetic location: 2p13.1.
Variant type: Duplication.
Coding change: c.2793dup on transcript NM_004082.5 (MANE Select); coding-DNA position 2793, one base duplicated (T; older notation c.2793dupT).
Protein change: p.Arg932fs; shifts the reading frame from arginine 932.
Molecular consequence: frameshift variant. On other transcripts: non-coding transcript variant (1).
Genome position (GRCh38, 1-based): chr2:74,365,986, A duplicated on the plus strand (T on the coding strand, the reverse complement: DCTN1 is on the minus strand); the first of 2 consecutive A bases (chr2:74,365,986-74,365,987); duplicating either gives the same sequence. VCF-style (leftmost placement, unchanged base first): chr2-74365985-G-GA. GRCh37 (hg19) VCF-style: chr2-74593112-G-GA.
Other names: c.2733dup, p.Arg912fs (NM_001135040.3); c.2391dup, p.Arg798fs (NM_001135041.3, NM_023019.4); c.2682dup, p.Arg895fs (NM_001190836.2); c.2772dup, p.Arg925fs (NM_001190837.2); c.2742dup, p.Arg915fs (NM_001378991.1); c.2724dup, p.Arg909fs (NM_001378992.1); short protein forms R912fs, R798fs, R895fs, R925fs, R932fs, R909fs, R915fs.
Identifiers: ClinVar variation 851699 (VCV000851699.1), dbSNP rs1674376535, ClinGen allele CA916082543.
Genomic context (GRCh38, chr2:74,365,985, plus strand): 5'-TAACTGTCTCTCGATCTTCGAGCTTCAAACCCAGGCCTTCAGCATCTGTGATCTCTGCAC[G>GA]AAGGGCAGCAGCCCGCAGTTCAACCGGTGGAGGCTAAGGAATGGTCGGTAGGGGGTGAGA-3'